The following is an entry in ClinVar:

NM_015259.6(ICOSLG):c.190A>G (p.Thr64Ala)

Gene: ICOSLG (inducible T cell costimulator ligand; minus strand). Cytogenetic location: 21q22.3.
Variant type: single nucleotide variant.
Coding change: c.190A>G on transcript NM_015259.6 (MANE Select); coding-DNA position 190, A replaced by G.
Protein change: p.Thr64Ala; replaces threonine 64 with alanine.
Molecular consequence: missense variant. On other transcripts: intron variant (2).
Genome position (GRCh38, 1-based): chr21:44,237,083, T>C on the plus strand (A>G on the coding strand, the complement: ICOSLG is on the minus strand). VCF-style: chr21-44237083-T-C. GRCh37 (hg19) VCF-style: chr21-45656966-T-C.
Other names: c.190A>G, p.Thr64Ala (NM_001283050.2, NM_001395918.1); c.109A>G, p.Thr37Ala (NM_001365759.2); c.55+1365A>G (NM_001283051.2); c.-48-18A>G (NM_001283052.2); short protein forms T37A, T64A.
Identifiers: ClinVar variation 2900596 (VCV002900596.3), dbSNP rs746753556, ClinGen allele CA321498342.

ClinVar aggregate classification (germline): Uncertain significance (1 of 4 stars; one submission).

Allele frequency attached by ClinVar (database versions not stated): ExAC 0.00002.

Submission:

Labcorp Genetics (formerly Invitae), Labcorp
Classification: Uncertain significance. Last evaluated: 2025-05-18. Review status: criteria provided, single submitter. Criteria: Invitae Variant Classification Sherloc (09022015). Collection method: clinical testing. Allele origin: germline.
Comment: This sequence change replaces threonine, which is neutral and polar, with alanine, which is neutral and non-polar, at codon 64 of the ICOSLG protein (p.Thr64Ala). This variant is present in population databases (rs746753556, gnomAD 0.02%). This variant has not been reported in the literature in individuals affected with ICOSLG-related conditions. ClinVar contains an entry for this variant (Variation ID: 2900596). An algorithm developed to predict the effect of missense changes on protein structure and function outputs the following: PolyPhen-2: "Benign". The alanine amino acid residue is found in multiple mammalian species, which suggests that this missense change does not adversely affect protein function. In summary, the available evidence is currently insufficient to determine the role of this variant in disease. Therefore, it has been classified as a Variant of Uncertain Significance.